The following is an entry in ClinVar:

NM_001130823.3(DNMT1):c.2020-289C>A

Gene: DNMT1 (DNA methyltransferase 1; minus strand). Cytogenetic location: 19p13.2.
Variant type: single nucleotide variant.
Coding change: c.2020-289C>A on transcript NM_001130823.3 (MANE Select); 289 bases into the intron before coding-DNA position 2020, C replaced by A.
Molecular consequence: intron variant.
Genome position (GRCh38, 1-based): chr19:10,152,136, G>T on the plus strand (C>A on the coding strand, the complement: DNMT1 is on the minus strand). VCF-style: chr19-10152136-G-T. GRCh37 (hg19) VCF-style: chr19-10262812-G-T.
Other names: c.1657-289C>A (NM_001318731.2); c.1972-289C>A (NM_001379.4, NM_001318730.2).
Identifiers: ClinVar variation 668554 (VCV000668554.1), dbSNP rs116799873, ClinGen allele CA305171850.
Genomic context (GRCh38, chr19:10,152,136, plus strand): 5'-CCTGAACCTGGGAGGTGGAGATTACAGTTAGCCAAGATCACACCACCATATTCCAGCCTG[G>T]ACGACAAGAGTAAAACTCCATCTCAAAAAAAAAAAAAAAAAAAAAAAAAAAAAGGAAAAA-3'

ClinVar aggregate classification (germline): Benign (1 of 4 stars; one submission).

Allele frequency attached by ClinVar (database versions not stated): TOPMed 0.01753; 1000 Genomes Project 0.01757; gnomAD 0.01767 and 0.01809; 1000 Genomes Project 30x 0.01983.
gnomAD v4.1: 1,711 of 97,966 alleles (1.7%); highest among the groups gnomAD compares: African/African-American, 6.9%; 51 homozygotes.

Submission:

GeneDx
Classification: Benign. Last evaluated: 2018-06-16. Review status: criteria provided, single submitter. Criteria: GeneDx Variant Classification (06012015). Collection method: clinical testing. Allele origin: germline. Affected: yes.
Comment: This variant is considered likely benign or benign based on one or more of the following criteria: it is a conservative change, it occurs at a poorly conserved position in the protein, it is predicted to be benign by multiple in silico algorithms, and/or has population frequency not consistent with disease.